The following is an entry in ClinVar:

ClinVar aggregate classification (germline): Uncertain significance (1 of 4 stars; one submission).

Conditions:
Brugada syndrome 5 (BRGDA5). Identifiers: Orphanet 130, Orphanet 871, MedGen C2748541, MONDO:0013015, OMIM 612838.

Submission:

Labcorp Genetics (formerly Invitae), Labcorp
Classification: Uncertain significance for Brugada syndrome 5. Last evaluated: 2024-07-11. Review status: criteria provided, single submitter. Criteria: Invitae Variant Classification Sherloc (09022015). Collection method: clinical testing. Allele origin: germline.
Comment: This sequence change replaces tryptophan, which is neutral and slightly polar, with arginine, which is basic and polar, at codon 167 of the SCN1B protein (p.Trp167Arg). This variant is not present in population databases (gnomAD no frequency). This variant has not been reported in the literature in individuals affected with SCN1B-related conditions. An algorithm developed to predict the effect of missense changes on protein structure and function (PolyPhen-2) suggests that this variant is likely to be disruptive. In summary, the available evidence is currently insufficient to determine the role of this variant in disease. Therefore, it has been classified as a Variant of Uncertain Significance.

NM_001037.5(SCN1B):c.448+51T>C

Gene: SCN1B (sodium voltage-gated channel beta subunit 1; plus strand). Cytogenetic location: 19q13.11.
Variant type: single nucleotide variant.
Coding change: c.448+51T>C on transcript NM_001037.5 (MANE Select); 51 bases into the intron after coding-DNA position 448, T replaced by C.
Molecular consequence: intron variant. On other transcripts: missense variant (1).
Genome position (GRCh38, 1-based): chr19:35,033,790, T>C. VCF-style: chr19-35033790-T-C. GRCh37 (hg19) VCF-style: chr19-35524694-T-C.
Other names: c.499T>C, p.Trp167Arg (NM_199037.5); c.349+51T>C (NM_001321605.2); short protein forms W167R.
Identifiers: ClinVar variation 3659242 (VCV003659242.2).